The following is an entry in ClinVar:

ClinVar aggregate classification (germline): Pathogenic/Likely pathogenic. Review status: criteria provided, multiple submitters, no conflicts (2 of 4 stars). 2 submissions from 2 submitters: Pathogenic (1); Likely pathogenic (1). Last evaluated 2026-01-23.

Conditions:
Wolcott-Rallison dysplasia. Also called: MED-IDDM SYNDROME; Wolcott-Rallison syndrome. Identifiers: Orphanet 1667, MedGen C0432217, MONDO:0009192, OMIM 226980.

Submissions (2):

Labcorp Genetics (formerly Invitae), Labcorp
Classification: Pathogenic. Last evaluated: 2026-01-23. Review status: criteria provided, single submitter. Criteria: Invitae Variant Classification Sherloc (09022015). Collection method: clinical testing. Allele origin: germline.
Comment: This sequence change creates a premature translational stop signal (p.Leu1018Alafs*16) in the EIF2AK3 gene. It is expected to result in an absent or disrupted protein product. Loss-of-function variants in EIF2AK3 are known to be pathogenic (PMID: 11997520). This variant is not present in population databases (gnomAD no frequency). This variant has not been reported in the literature in individuals affected with EIF2AK3-related conditions. ClinVar contains an entry for this variant (Variation ID: 1401561). For these reasons, this variant has been classified as Pathogenic.

Fulgent Genetics
Classification: Likely pathogenic for Wolcott-Rallison dysplasia. Last evaluated: 2022-04-03. Review status: criteria provided, single submitter. Criteria: ACMG Guidelines, 2015. Collection method: clinical testing. Allele origin: unknown.

Literature cited by the submitters: PubMed 11997520 (cited by Labcorp Genetics (formerly Invitae), Labcorp).

NM_004836.7(EIF2AK3):c.3051dup (p.Leu1018fs)

Genes: EIF2AK3 (eukaryotic translation initiation factor 2 alpha kinase 3; minus strand), EIF2AK3-AS1 (EIF2AK3 antisense RNA 1; plus strand). Cytogenetic location: 2p11.2.
Variant type: Duplication.
Coding change: c.3051dup on transcript NM_004836.7 (MANE Select); coding-DNA position 3051, one base duplicated (G; older notation c.3051dupG).
Protein change: p.Leu1018fs; shifts the reading frame from leucine 1018.
Molecular consequence: frameshift variant.
Genome position (GRCh38, 1-based): chr2:88,562,325, C duplicated on the plus strand (G on the coding strand, the reverse complement: EIF2AK3 is on the minus strand). VCF-style (leftmost placement, unchanged base first): chr2-88562324-G-GC. GRCh37 (hg19) VCF-style: chr2-88861842-G-GC.
Other names: c.2598dup, p.Leu867fs (NM_001313915.2); short protein forms L1018fs, L867fs.
Identifiers: ClinVar variation 1401561 (VCV001401561.8), dbSNP rs2104387177, ClinGen allele CA2573135917.